The following is an entry in ClinVar:

ClinVar aggregate classification (germline): Uncertain significance. Review status: criteria provided, multiple submitters, no conflicts (2 of 4 stars). 2 submissions from 2 submitters: Uncertain significance (2). Last evaluated 2026-07-07.

Conditions:
Multiple endocrine neoplasia, type 1 (MEN1). Also called: MEA I; MEN I; WERMER SYNDROME; Endocrine adenomatosis multiple; MEN 1. Identifiers: Orphanet 652, MedGen C0025267, MeSH D018761, MONDO:0007540, OMIM 131100.
Hereditary cancer-predisposing syndrome. Also called: Hereditary Cancer Syndrome; Hereditary neoplastic syndrome; Neoplastic Syndromes, Hereditary; Tumor predisposition. Identifiers: Orphanet 140162, MedGen C0027672, MeSH D009386, MONDO:0015356.

Submissions (2):

Ambry Genetics
Classification: Uncertain significance for Hereditary cancer-predisposing syndrome. Last evaluated: 2026-07-07. Review status: criteria provided, single submitter. Criteria: Ambry Variant Classification Scheme 2023. Collection method: clinical testing. Allele origin: germline.
Comment: The p.D406N variant (also known as c.1216G>A), located in coding exon 8 of the MEN1 gene, results from a G to A substitution at nucleotide position 1216. The aspartic acid at codon 406 is replaced by asparagine, an amino acid with highly similar properties. This amino acid position is conserved. In addition, the in silico prediction for this alteration is inconclusive. Based on the available evidence, the clinical significance of this variant remains unclear.

Labcorp Genetics (formerly Invitae), Labcorp
Classification: Uncertain significance for Multiple endocrine neoplasia, type 1. Last evaluated: 2024-02-01. Review status: criteria provided, single submitter. Criteria: Invitae Variant Classification Sherloc (09022015). Collection method: clinical testing. Allele origin: germline.
Comment: This sequence change replaces aspartic acid, which is acidic and polar, with asparagine, which is neutral and polar, at codon 406 of the MEN1 protein (p.Asp406Asn). This variant is not present in population databases (gnomAD no frequency). This variant has not been reported in the literature in individuals affected with MEN1-related conditions. Advanced modeling of protein sequence and biophysical properties (such as structural, functional, and spatial information, amino acid conservation, physicochemical variation, residue mobility, and thermodynamic stability) performed at Invitae indicates that this missense variant is expected to disrupt MEN1 protein function with a positive predictive value of 95%. In summary, the available evidence is currently insufficient to determine the role of this variant in disease. Therefore, it has been classified as a Variant of Uncertain Significance.

NM_001370259.2(MEN1):c.1216G>A (p.Asp406Asn)

Gene: MEN1 (menin 1; minus strand). Cytogenetic location: 11q13.1.
Variant type: single nucleotide variant.
Coding change: c.1216G>A on transcript NM_001370259.2 (MANE Select); coding-DNA position 1216, G replaced by A.
Protein change: p.Asp406Asn; replaces aspartic acid 406 with asparagine.
Molecular consequence: missense variant. On other transcripts: non-coding transcript variant (4), intron variant (1).
Genome position (GRCh38, 1-based): chr11:64,805,168, C>T on the plus strand (G>A on the coding strand, the complement: MEN1 is on the minus strand). VCF-style: chr11-64805168-C-T. GRCh37 (hg19) VCF-style: chr11-64572640-C-T.
Other names: c.1231G>A, p.Asp411Asn (NM_000244.4, NM_130800.3, NM_130801.3 and 4 more transcripts); c.1342G>A, p.Asp448Asn (NM_001370251.2, NM_001407142.1, NM_001407143.1 and 1 more transcripts); c.1216G>A, p.Asp406Asn (NM_001370260.2, NM_001370261.2, NM_001407146.1 and 2 more transcripts); c.1111G>A, p.Asp371Asn (NM_001370262.2, NM_001370263.2, NM_001407148.1 and 1 more transcripts); c.1186-352G>A (NM_001407152.1); c.1357G>A, p.Asp453Asn (NM_001407150.1); c.1237G>A, p.Asp413Asn (NM_001407151.1); short protein forms D371N, D411N, D448N, D413N, D453N, D406N.
Identifiers: ClinVar variation 2712041 (VCV002712041.4), dbSNP rs2136103028, ClinGen allele CA381180727.